The following is an entry in ClinVar:

NM_001710.6(CFB):c.583C>T (p.Leu195Phe)

Gene: CFB (complement factor B; plus strand). Cytogenetic location: 6p21.33.
Variant type: single nucleotide variant.
Coding change: c.583C>T on transcript NM_001710.6 (MANE Select); coding-DNA position 583, C replaced by T.
Protein change: p.Leu195Phe; replaces leucine 195 with phenylalanine.
Molecular consequence: missense variant.
Genome position (GRCh38, 1-based): chr6:31,947,446, C>T. VCF-style: chr6-31947446-C-T. GRCh37 (hg19) VCF-style: chr6-31915223-C-T.
Other names: short protein forms L195F.
Identifiers: ClinVar variation 1488874 (VCV001488874.6), dbSNP rs1191118259, ClinGen allele CA363393234.
Genomic context (GRCh38, chr6:31,947,446, plus strand): 5'-AGGAAGGTGGGCAGCCAGTACCGCCTTGAAGACAGCGTCACCTACCACTGCAGCCGGGGG[C>T]TTACCCTGCGTGGCTCCCAGCGGCGAACGTGTCAGGAAGGTGGCTCTTGGAGCGGGACGG-3'
Protein context (NP_001701.2, residues 185-205): DSVTYHCSRG[Leu195Phe]TLRGSQRRTC

ClinVar aggregate classification (germline): Uncertain significance (1 of 4 stars; one submission).

Allele frequency attached by ClinVar (database versions not stated): gnomAD exomes below 0.00001.
gnomAD v4.1: 3 of 1,613,008 alleles (0.00019%); no homozygotes.

Submission:

Labcorp Genetics (formerly Invitae), Labcorp
Classification: Uncertain significance. Last evaluated: 2021-08-31. Review status: criteria provided, single submitter. Criteria: Invitae Variant Classification Sherloc (09022015). Collection method: clinical testing. Allele origin: germline.
Comment: This variant is not present in population databases (ExAC no frequency). In summary, the available evidence is currently insufficient to determine the role of this variant in disease. Therefore, it has been classified as a Variant of Uncertain Significance. Algorithms developed to predict the effect of missense changes on protein structure and function are either unavailable or do not agree on the potential impact of this missense change (SIFT: "Deleterious"; PolyPhen-2: "Possibly Damaging"; Align-GVGD: "Class C0"). This variant has not been reported in the literature in individuals affected with CFB-related conditions. This sequence change replaces leucine with phenylalanine at codon 195 of the CFB protein (p.Leu195Phe). The leucine residue is highly conserved and there is a small physicochemical difference between leucine and phenylalanine.